The following is an entry in ClinVar:

NM_001184.4(ATR):c.7176A>T (p.Lys2392Asn)

Gene: ATR (ATR serine/threonine kinase; minus strand). Cytogenetic location: 3q23.
Variant type: single nucleotide variant.
Coding change: c.7176A>T on transcript NM_001184.4 (MANE Select); coding-DNA position 7176, A replaced by T.
Protein change: p.Lys2392Asn; replaces lysine 2392 with asparagine.
Molecular consequence: missense variant.
Genome position (GRCh38, 1-based): chr3:142,461,956, T>A on the plus strand (A>T on the coding strand, the complement: ATR is on the minus strand). VCF-style: chr3-142461956-T-A. GRCh37 (hg19) VCF-style: chr3-142180798-T-A.
Other names: c.6984A>T, p.Lys2328Asn (NM_001354579.2); short protein forms K2392N, K2328N.
Identifiers: ClinVar variation 3462911 (VCV003462911.1).

ClinVar aggregate classification (germline): Uncertain significance (1 of 4 stars; one submission).

Conditions:
Inborn genetic diseases. Identifiers: MedGen C0950123, MeSH D030342.

Submission:

Ambry Genetics
Classification: Uncertain significance for Inborn genetic diseases. Last evaluated: 2024-10-01. Review status: criteria provided, single submitter. Criteria: Ambry Variant Classification Scheme 2023. Collection method: clinical testing. Allele origin: germline.
Comment: The p.K2392N variant (also known as c.7176A>T), located in coding exon 42 of the ATR gene, results from an A to T substitution at nucleotide position 7176. The lysine at codon 2392 is replaced by asparagine, an amino acid with similar properties. This amino acid position is conserved. In addition, this alteration is predicted to be tolerated by in silico analysis. Based on the available evidence, the clinical significance of this variant remains unclear.